The following is an entry in ClinVar:

ClinVar aggregate classification (germline): Conflicting classifications of pathogenicity. Review status: criteria provided, conflicting classifications (1 of 4 stars). 3 submissions from 3 submitters: Uncertain significance (2); Likely benign (1). Last evaluated 2024-10-16.

Conditions:
Inborn genetic diseases. Identifiers: MedGen C0950123, MeSH D030342.
Joubert syndrome 14 (JBTS14). Identifiers: MedGen C3280766, MONDO:0013745, OMIM 614424.

Allele frequency attached by ClinVar (database versions not stated): gnomAD exomes below 0.00001; gnomAD 0.00002; TOPMed 0.00002.
gnomAD v4.1: 9 of 1,603,946 alleles (0.00056%); highest among the groups gnomAD compares: Admixed American, 0.0052%; no homozygotes.

Submissions (3):

Labcorp Genetics (formerly Invitae), Labcorp
Classification: Uncertain significance for Joubert syndrome 14. Last evaluated: 2024-10-16. Review status: criteria provided, single submitter. Criteria: Invitae Variant Classification Sherloc (09022015). Collection method: clinical testing. Allele origin: germline.
Comment: This sequence change replaces leucine, which is neutral and non-polar, with serine, which is neutral and polar, at codon 50 of the TMEM237 protein (p.Leu50Ser). The frequency data for this variant in the population databases is considered unreliable, as metrics indicate poor data quality at this position in the gnomAD database. This variant has not been reported in the literature in individuals affected with TMEM237-related conditions. ClinVar contains an entry for this variant (Variation ID: 1038758). Invitae Evidence Modeling of protein sequence and biophysical properties (such as structural, functional, and spatial information, amino acid conservation, physicochemical variation, residue mobility, and thermodynamic stability) indicates that this missense variant is not expected to disrupt TMEM237 protein function with a negative predictive value of 80%. In summary, the available evidence is currently insufficient to determine the role of this variant in disease. Therefore, it has been classified as a Variant of Uncertain Significance.

Ambry Genetics
Classification: Likely benign for Inborn genetic diseases. Last evaluated: 2024-05-20. Review status: criteria provided, single submitter. Criteria: Ambry Variant Classification Scheme 2023. Collection method: clinical testing. Allele origin: germline.

Fulgent Genetics
Classification: Uncertain significance for Joubert syndrome 14. Last evaluated: 2024-05-14. Review status: criteria provided, single submitter. Criteria: ACMG Guidelines, 2015. Collection method: clinical testing. Allele origin: germline.

NM_001044385.3(TMEM237):c.149T>C (p.Leu50Ser)

Gene: TMEM237 (transmembrane protein 237; minus strand). Cytogenetic location: 2q33.1.
Variant type: single nucleotide variant.
Coding change: c.149T>C on transcript NM_001044385.3 (MANE Select); coding-DNA position 149, T replaced by C.
Protein change: p.Leu50Ser; replaces leucine 50 with serine.
Molecular consequence: missense variant.
Genome position (GRCh38, 1-based): chr2:201,636,873, A>G on the plus strand (T>C on the coding strand, the complement: TMEM237 is on the minus strand). VCF-style: chr2-201636873-A-G. GRCh37 (hg19) VCF-style: chr2-202501596-A-G.
Other names: c.149T>C (NM_001044385.1); c.125T>C, p.Leu42Ser (NM_152388.4); short protein forms L50S, L42S.
Identifiers: ClinVar variation 1038758 (VCV001038758.7), dbSNP rs1269827788, ClinGen allele CA350316042.